The following is an entry in ClinVar:

NM_005751.5(AKAP9):c.10705G>A (p.Gly3569Ser)

Gene: AKAP9 (A-kinase anchoring protein 9; plus strand). Cytogenetic location: 7q21.2.
Variant type: single nucleotide variant.
Coding change: c.10705G>A on transcript NM_005751.5 (MANE Select); coding-DNA position 10705, G replaced by A.
Protein change: p.Gly3569Ser; replaces glycine 3569 with serine.
Molecular consequence: missense variant.
Genome position (GRCh38, 1-based): chr7:92,098,206, G>A. VCF-style: chr7-92098206-G-A. GRCh37 (hg19) VCF-style: chr7-91727520-G-A.
Other names: c.5350G>A, p.Gly1784Ser (NM_001379277.1); c.10681G>A, p.Gly3561Ser (NM_147185.3); short protein forms G1784S, G3561S, G3569S.
Identifiers: ClinVar variation 4034044 (VCV004034044.1).
Genomic context (GRCh38, chr7:92,098,206, plus strand): 5'-TGGGTTCAGGAAAATATTGATGAAATTATTTTACAACTACAGAAATTAACTGGCCAGCAA[G>A]GTGAAGAGGTAATACTTTTTAAAAGTTATTTCTGAAGCATTGAGAGCAAAGATTTAATAG-3'
Protein context (NP_005742.4, residues 3559-3579): LQLQKLTGQQ[Gly3569Ser]EEPSLVSPST

ClinVar aggregate classification (germline): Uncertain significance (1 of 4 stars; one submission).

Conditions:
Cardiovascular phenotype. Identifiers: MedGen CN230736.

gnomAD v4.1: 3 of 1,592,836 alleles (0.00019%); highest among the groups gnomAD compares: Non-Finnish European, 0.00026%; no homozygotes.

Submission:

Ambry Genetics
Classification: Uncertain significance for Cardiovascular phenotype. Last evaluated: 2025-05-17. Review status: criteria provided, single submitter. Criteria: Ambry Variant Classification Scheme 2023. Collection method: clinical testing. Allele origin: germline.
Comment: The p.G3569S variant (also known as c.10705G>A), located in coding exon 43 of the AKAP9 gene, results from a G to A substitution at nucleotide position 10705. The glycine at codon 3569 is replaced by serine, an amino acid with similar properties. This amino acid position is conserved. In addition, this alteration is predicted to be tolerated by in silico analysis. Based on the available evidence, the clinical significance of this variant remains unclear.